The following is an entry in ClinVar:

NM_004006.3(DMD):c.5012T>G (p.Leu1671Ter)

Gene: DMD (dystrophin; minus strand). Cytogenetic location: Xp21.1.
Variant type: single nucleotide variant.
Coding change: c.5012T>G on transcript NM_004006.3 (MANE Select); coding-DNA position 5012, T replaced by G.
Protein change: p.Leu1671Ter; replaces leucine 1671 with a stop codon.
Molecular consequence: nonsense.
Genome position (GRCh38, 1-based): chrX:32,365,033, A>C on the plus strand (T>G on the coding strand, the complement: DMD is on the minus strand). VCF-style: chrX-32365033-A-C. GRCh37 (hg19) VCF-style: chrX-32383150-A-C.
Other names: c.4988T>G, p.Leu1663Ter (NM_000109.4); c.5000T>G, p.Leu1667Ter (NM_004009.3); c.4643T>G, p.Leu1548Ter (NM_004010.3); c.989T>G, p.Leu330Ter (NM_004011.4); c.980T>G, p.Leu327Ter (NM_004012.4); short protein forms L1548*, L1667*, L327*, L1671*, L1663*, L330*.
Identifiers: ClinVar variation 2584989 (VCV002584989.1), dbSNP rs2097849676, ClinGen allele CA412671771.
Genomic context (GRCh38, chrX:32,365,033, plus strand): 5'-TTCTCGTGACAGAGAAGGGTGTAAAAGCTTCTAGCCTTTTCTCTTACCAACAAAAGATTT[A>C]ACCACTCTTCTGCTCGGGAGGTGACAGCTATCCAGTTACTATTCAGAAGACTGAGTTTAT-3'

ClinVar aggregate classification (germline): Likely pathogenic (1 of 4 stars; one submission).

Conditions:
Duchenne muscular dystrophy (DMD). Also called: Duchenne Muscular Dystrophy (DMD); MUSCULAR DYSTROPHY, PSEUDOHYPERTROPHIC PROGRESSIVE, DUCHENNE TYPE. Identifiers: Orphanet 98896, MedGen C0013264, MONDO:0010679, OMIM 310200.

Submission:

Neuberg Centre For Genomic Medicine, NCGM
Classification: Likely pathogenic for Duchenne muscular dystrophy. Review status: criteria provided, single submitter. Criteria: ACMG Guidelines, 2015. Collection method: clinical testing. Allele origin: germline. Inheritance: X-linked inheritance. Affected: yes.
Comment: The stop gain c.5012T>G(p.Leu1671Ter) variant in DMD gene has not been reported previously as a pathogenic variant nor as a benign variant, to our knowledge. The variant is novel (not in any individuals) in gnomAD Exomes and 1000 Genomes. The nucleotide change c.5012T>G in DMD is predicted as conserved by GERP++ and PhyloP across 100 vertebrates. This variant is predicted to cause loss of normal protein function through protein truncation. Loss of function variants have been previously reported to be disease causing. For these reasons, this variant has been classified as Likely Pathogenic.